The following is an entry in ClinVar:

ClinVar aggregate classification (germline): Uncertain significance. Review status: criteria provided, multiple submitters, no conflicts (2 of 4 stars). 2 submissions from 2 submitters: Uncertain significance (2). Last evaluated 2024-12-11.

Conditions:
IRF2BP2-related disorder. Also called: IRF2BP2-related condition.

Submissions (2):

PreventionGenetics, part of Exact Sciences
Classification: Uncertain significance for IRF2BP2-related condition. Last evaluated: 2024-12-11. Review status: criteria provided, single submitter. Criteria: ACMG Guidelines, 2015. Collection method: clinical testing. Allele origin: germline.
Comment: The IRF2BP2 c.32C>G variant is predicted to result in the amino acid substitution p.Ser11Cys. To our knowledge, this variant has not been reported in the literature or in a large population database (gnomAD), indicating this variant is rare. At this time, the clinical significance of this variant is uncertain due to the absence of conclusive functional and genetic evidence.

Ambry Genetics
Classification: Uncertain significance. Last evaluated: 2024-11-10. Review status: criteria provided, single submitter. Criteria: Ambry Variant Classification Scheme 2023. Collection method: clinical testing. Allele origin: germline.

NM_182972.3(IRF2BP2):c.32C>G (p.Ser11Cys)

Gene: IRF2BP2 (interferon regulatory factor 2 binding protein 2; minus strand). Cytogenetic location: 1q42.3.
Variant type: single nucleotide variant.
Coding change: c.32C>G on transcript NM_182972.3 (MANE Select); coding-DNA position 32, C replaced by G.
Protein change: p.Ser11Cys; replaces serine 11 with cysteine.
Molecular consequence: missense variant.
Genome position (GRCh38, 1-based): chr1:234,609,463, G>C on the plus strand (C>G on the coding strand, the complement: IRF2BP2 is on the minus strand). VCF-style: chr1-234609463-G-C. GRCh37 (hg19) VCF-style: chr1-234745209-G-C.
Other names: c.32C>G, p.Ser11Cys (NM_001077397.1); short protein forms S11C.
Identifiers: ClinVar variation 3530004 (VCV003530004.2).